The following is an entry in ClinVar:

ClinVar aggregate classification (germline): Likely benign (0 of 4 stars; one submission).

Conditions:
SEMA3F-related disorder. Also called: SEMA3F-related condition.

gnomAD v4.1: 39 of 1,613,836 alleles (0.0024%); highest among the groups gnomAD compares: East Asian, 0.018%; no homozygotes.

Submission:

PreventionGenetics, part of Exact Sciences
Classification: Likely benign for SEMA3F-related condition. Last evaluated: 2022-11-23. Review status: no assertion criteria provided. Collection method: clinical testing. Allele origin: germline.
Comment: This variant is classified as likely benign based on ACMG/AMP sequence variant interpretation guidelines (Richards et al. 2015 PMID: 25741868, with internal and published modifications).

NM_004186.5(SEMA3F):c.1764C>T (p.Asp588=)

Gene: SEMA3F (semaphorin 3F; plus strand). Cytogenetic location: 3p21.31.
Variant type: single nucleotide variant.
Coding change: c.1764C>T on transcript NM_004186.5 (MANE Select); coding-DNA position 1764, C replaced by T.
Protein change: p.Asp588=; no amino-acid change (aspartic acid 588 retained).
Molecular consequence: synonymous variant.
Genome position (GRCh38, 1-based): chr3:50,186,299, C>T. VCF-style: chr3-50186299-C-T. GRCh37 (hg19) VCF-style: chr3-50223732-C-T.
Other names: c.1467C>T, p.Asp489= (NM_001318798.2); c.1671C>T, p.Asp557= (NM_001318800.2).
Identifiers: ClinVar variation 3358624 (VCV003358624.1).
Genomic context (GRCh38, chr3:50,186,299, plus strand): 5'-AAGCTTCCTGGGAGCACTCCTTCAGGGGCTATCCTCATCCAGGCGGAGCCGCCGGCAGGA[C>T]GTCCGGCACGGAAACCCCATCAGGCAGTGCCGTGGGTTCAACTCCAATGGTGAGTATGCT-3'
Protein context (NP_004177.3, residues 578-598): ASSKRRSRRQ[Asp588=]VRHGNPIRQC